The following is an entry in ClinVar:

NM_001384732.1(CPLANE1):c.1839A>G (p.Lys613=)

Gene: CPLANE1 (ciliogenesis and planar polarity effector complex subunit 1; minus strand). Cytogenetic location: 5p13.2.
Variant type: single nucleotide variant.
Coding change: c.1839A>G on transcript NM_001384732.1 (MANE Select); coding-DNA position 1839, A replaced by G.
Protein change: p.Lys613=; no amino-acid change (lysine 613 retained).
Molecular consequence: synonymous variant.
Genome position (GRCh38, 1-based): chr5:37,226,756, T>C on the plus strand (A>G on the coding strand, the complement: CPLANE1 is on the minus strand). VCF-style: chr5-37226756-T-C. GRCh37 (hg19) VCF-style: chr5-37226858-T-C.
Other names: c.1839A>G, p.Lys613= (NM_023073.4).
Identifiers: ClinVar variation 385383 (VCV000385383.30), dbSNP rs533310477, ClinGen allele CA3239070.

ClinVar aggregate classification (germline): Conflicting classifications of pathogenicity. Review status: criteria provided, conflicting classifications (1 of 4 stars). 5 submissions from 5 submitters: Uncertain significance (1); Likely benign (4). Last evaluated 2025-12-21.

Conditions:
Joubert syndrome 17 (JBTS17). Identifiers: Orphanet 475, MedGen C3553264, MONDO:0013824, OMIM 614615.
Orofaciodigital syndrome type 6 (OFD6). Also called: OROFACIODIGITAL SYNDROME VI; OFDS VI; POLYDACTYLY, CLEFT LIP/PALATE OR LINGUAL LUMP, AND PSYCHOMOTOR RETARDATION; VARADI SYNDROME; VARADI-PAPP SYNDROME; Oral-facial-digital syndrome type 6. Identifiers: Orphanet 2754, MedGen C2745997, MONDO:0010176, OMIM 277170.

gnomAD v4.1: 55 of 1,543,028 alleles (0.0036%); highest among the groups gnomAD compares: South Asian, 0.037%; no homozygotes.

Submissions (5):

Labcorp Genetics (formerly Invitae), Labcorp
Classification: Likely benign. Last evaluated: 2025-12-21. Review status: criteria provided, single submitter. Criteria: Invitae Variant Classification Sherloc (09022015). Collection method: clinical testing. Allele origin: germline.

Fulgent Genetics
Classification: Uncertain significance for Orofaciodigital syndrome type 6; Joubert syndrome 17. Last evaluated: 2024-04-01. Review status: criteria provided, single submitter. Criteria: ACMG Guidelines, 2015. Collection method: clinical testing. Allele origin: germline.

CeGaT Center for Human Genetics Tuebingen
Classification: Likely benign. Last evaluated: 2023-11-01. Review status: criteria provided, single submitter. Criteria: CeGaT Center For Human Genetics Tuebingen Variant Classification Criteria Version 2. Collection method: clinical testing. Allele origin: germline. Affected: yes. Observed: 1 variant allele.
Comment: CPLANE1: BP4, BP7

Blueprint Genetics
Classification: Likely benign. Last evaluated: 2023-08-11. Review status: criteria provided, single submitter. Criteria: ACMG Guidelines, 2015. Collection method: clinical testing. Allele origin: germline.

GeneDx
Classification: Likely benign. Last evaluated: 2016-04-20. Review status: criteria provided, single submitter. Criteria: GeneDx Variant Classification (06012015). Collection method: clinical testing. Allele origin: germline. Affected: yes.
Comment: This variant is considered likely benign or benign based on one or more of the following criteria: it is a conservative change, it occurs at a poorly conserved position in the protein, it is predicted to be benign by multiple in silico algorithms, and/or has population frequency not consistent with disease.